The following is an entry in ClinVar:

NM_201384.3(PLEC):c.8195C>T (p.Ala2732Val)

Gene: PLEC (plectin; minus strand). Cytogenetic location: 8q24.3.
Variant type: single nucleotide variant.
Coding change: c.8195C>T on transcript NM_201384.3 (MANE Select); coding-DNA position 8195, C replaced by T.
Protein change: p.Ala2732Val; replaces alanine 2732 with valine.
Molecular consequence: missense variant.
Genome position (GRCh38, 1-based): chr8:143,921,626, G>A on the plus strand (C>T on the coding strand, the complement: PLEC is on the minus strand). VCF-style: chr8-143921626-G-A. GRCh37 (hg19) VCF-style: chr8-144995794-G-A.
Other names: c.8276C>T, p.Ala2759Val (NM_000445.5); c.8153C>T, p.Ala2718Val (NM_201378.4); c.8129C>T, p.Ala2710Val (NM_201379.3); c.8606C>T, p.Ala2869Val (NM_201380.4); c.8099C>T, p.Ala2700Val (NM_201381.3); c.8195C>T, p.Ala2732Val (NM_201382.4); c.8207C>T, p.Ala2736Val (NM_201383.3); short protein forms A2700V, A2759V, A2710V, A2732V, A2718V, A2736V, A2869V.
Identifiers: ClinVar variation 941648 (VCV000941648.10), dbSNP rs1554686537, ClinGen allele CA372518624.

ClinVar aggregate classification (germline): Uncertain significance. Review status: criteria provided, multiple submitters, no conflicts (2 of 4 stars). 3 submissions from 3 submitters: Uncertain significance (3). Last evaluated 2026-02-19.

Conditions:
Autosomal recessive limb-girdle muscular dystrophy type 2Q (LGMDR17). Also called: MUSCULAR DYSTROPHY, LIMB-GIRDLE, AUTOSOMAL RECESSIVE 17. Identifiers: Orphanet 254361, MedGen C3150989, MONDO:0013390, OMIM 613723.
Epidermolysis bullosa simplex, Ogna type (EBS5A). Also called: Pidermolysis bullosa simplex 5A, Ogna type; EPIDERMOLYSIS BULLOSA SIMPLEX 5A, OGNA TYPE. Identifiers: Orphanet 79401, MedGen C0432317, MONDO:0007555, OMIM 131950.
Epidermolysis bullosa simplex 5B, with muscular dystrophy (EBS5B). Also called: Epidermolysis bullosa simplex with muscular dystrophy; EPIDERMOLYSIS BULLOSA SIMPLEX AND LIMB-GIRDLE MUSCULAR DYSTROPHY. Identifiers: Orphanet 257, MedGen C2931072, MONDO:0009181, OMIM 226670.
Epidermolysis bullosa simplex with nail dystrophy (EBS5D). Identifiers: MedGen C4225309, MONDO:0014661, OMIM 616487.
Epidermolysis bullosa simplex 5C, with pyloric atresia (EBS5C). Also called: PLEC1-Related Epidermolysis Bullosa with Pyloric Atresia; PLEC-Related Epidermolysis Bullosa with Pyloric Atresia; Epidermolysis bullosa simplex with pyloric atresia. Identifiers: Orphanet 158684, MedGen C2677349, MONDO:0012807, OMIM 612138.
PLEC-related disorder. Also called: PLEC-related disorders; PLEC-related condition.

Allele frequency attached by ClinVar (database versions not stated): gnomAD exomes below 0.00001; gnomAD 0.00001.
gnomAD v4.1: 5 of 1,612,860 alleles (0.00031%); highest among the groups gnomAD compares: Admixed American, 0.0033%; no homozygotes.

Submissions (3):

PreventionGenetics, part of Exact Sciences
Classification: Uncertain significance for PLEC-related condition. Last evaluated: 2026-02-19. Review status: criteria provided, single submitter. Criteria: ACMG Guidelines, 2015. Collection method: clinical testing. Allele origin: germline.
Comment: The PLEC c.8276C>T variant is predicted to result in the amino acid substitution p.Ala2759Val. To our knowledge, this variant has not been reported in the literature. This variant is reported in 0.0033% of alleles in individuals of South Asian descent in gnomAD. At this time, the clinical significance of this variant is uncertain due to the absence of conclusive functional and genetic evidence.

Labcorp Genetics (formerly Invitae), Labcorp
Classification: Uncertain significance for Autosomal recessive limb-girdle muscular dystrophy type 2Q; Epidermolysis bullosa simplex, Ogna type; Epidermolysis bullosa simplex with nail dystrophy; Epidermolysis bullosa simplex 5C, with pyloric atresia; Epidermolysis bullosa simplex 5B, with muscular dystrophy. Last evaluated: 2025-06-22. Review status: criteria provided, single submitter. Criteria: Invitae Variant Classification Sherloc (09022015). Collection method: clinical testing. Allele origin: germline.
Comment: This sequence change replaces alanine, which is neutral and non-polar, with valine, which is neutral and non-polar, at codon 2759 of the PLEC protein (p.Ala2759Val). This variant is present in population databases (no rsID available, gnomAD 0.003%). This variant has not been reported in the literature in individuals affected with PLEC-related conditions. ClinVar contains an entry for this variant (Variation ID: 941648). An algorithm developed to predict the effect of missense changes on protein structure and function (PolyPhen-2) suggests that this variant is likely to be disruptive. In summary, the available evidence is currently insufficient to determine the role of this variant in disease. Therefore, it has been classified as a Variant of Uncertain Significance.

Revvity Omics, Revvity
Classification: Uncertain significance. Last evaluated: 2021-04-23. Review status: criteria provided, single submitter. Criteria: ACMG Guidelines, 2015. Collection method: clinical testing. Allele origin: germline.